The following is an entry in ClinVar:

NM_001457.4(FLNB):c.6449A>G (p.Lys2150Arg)

Gene: FLNB (filamin B; plus strand). Cytogenetic location: 3p14.3.
Variant type: single nucleotide variant.
Coding change: c.6449A>G on transcript NM_001457.4 (MANE Select); coding-DNA position 6449, A replaced by G.
Protein change: p.Lys2150Arg; replaces lysine 2150 with arginine.
Molecular consequence: missense variant.
Genome position (GRCh38, 1-based): chr3:58,153,456, A>G. VCF-style: chr3-58153456-A-G. GRCh37 (hg19) VCF-style: chr3-58139183-A-G.
Other names: c.6449A>G (NM_001457.3); c.6542A>G, p.Lys2181Arg (NM_001164317.2); c.6416A>G, p.Lys2139Arg (NM_001164318.2); c.6377A>G, p.Lys2126Arg (NM_001164319.2); short protein forms K2139R, K2126R, K2150R, K2181R.
Identifiers: ClinVar variation 1957299 (VCV001957299.6), dbSNP rs928537891, ClinGen allele CA75475938.

ClinVar aggregate classification (germline): Uncertain significance. Review status: criteria provided, multiple submitters, no conflicts (2 of 4 stars). 2 submissions from 2 submitters: Uncertain significance (2). Last evaluated 2025-06-16.

Conditions:
Inborn genetic diseases. Identifiers: MedGen C0950123, MeSH D030342.

Allele frequency attached by ClinVar (database versions not stated): gnomAD exomes below 0.00001; gnomAD 0.00001; TOPMed 0.00002.
gnomAD v4.1: 4 of 1,614,136 alleles (0.00025%); highest among the groups gnomAD compares: African/African-American, 0.0053%; no homozygotes.

Submissions (2):

Ambry Genetics
Classification: Uncertain significance for Inborn genetic diseases. Last evaluated: 2025-06-16. Review status: criteria provided, single submitter. Criteria: Ambry Variant Classification Scheme 2023. Collection method: clinical testing. Allele origin: germline.

Labcorp Genetics (formerly Invitae), Labcorp
Classification: Uncertain significance. Last evaluated: 2021-12-08. Review status: criteria provided, single submitter. Criteria: Invitae Variant Classification Sherloc (09022015). Collection method: clinical testing. Allele origin: germline.
Comment: This sequence change replaces lysine, which is basic and polar, with arginine, which is basic and polar, at codon 2150 of the FLNB protein (p.Lys2150Arg). This variant is present in population databases (no rsID available, gnomAD 0.007%). This variant has not been reported in the literature in individuals affected with FLNB-related conditions. Advanced modeling of protein sequence and biophysical properties (such as structural, functional, and spatial information, amino acid conservation, physicochemical variation, residue mobility, and thermodynamic stability) performed at Invitae indicates that this missense variant is not expected to disrupt FLNB protein function. In summary, the available evidence is currently insufficient to determine the role of this variant in disease. Therefore, it has been classified as a Variant of Uncertain Significance.